The following is an entry in ClinVar:

NM_001243133.2(NLRP3):c.920G>T (p.Gly307Val)

Gene: NLRP3 (NLR family pyrin domain containing 3; plus strand). Cytogenetic location: 1q44.
Variant type: single nucleotide variant.
Coding change: c.920G>T on transcript NM_001243133.2 (MANE Select); coding-DNA position 920, G replaced by T.
Protein change: p.Gly307Val; replaces glycine 307 with valine.
Molecular consequence: missense variant.
Genome position (GRCh38, 1-based): chr1:247,424,369, G>T. VCF-style: chr1-247424369-G-T. GRCh37 (hg19) VCF-style: chr1-247587671-G-T.
Other names: c.920G>T, p.Gly307Val (NM_001079821.3, NM_001127461.3, NM_001127462.3 and 1 more transcripts); c.926G>T, p.Gly309Val (NM_004895.5); short protein forms G309V, G307V.
Identifiers: ClinVar variation 97985 (VCV000097985.8), dbSNP rs180177468, ClinGen allele CA281415.

ClinVar aggregate classification (germline): Pathogenic. Review status: criteria provided, single submitter (1 of 4 stars). 2 submissions from 2 submitters: Pathogenic (1). 1 of the submissions does not count toward it. Last evaluated 2022-08-09.

Conditions:
Cryopyrin associated periodic syndrome (CAPS). Identifiers: Orphanet 208650, MedGen C2316212, MONDO:0016168.
Familial cold autoinflammatory syndrome 1 (FCAS1). Also called: Familial cold inflammatory syndrome 1; CRYOPYRIN-ASSOCIATED PERIODIC SYNDROME 1. Identifiers: Orphanet 47045, MedGen C4551895, MONDO:0007349, OMIM 120100.

Submissions (2):

Labcorp Genetics (formerly Invitae), Labcorp
Classification: Pathogenic for Cryopyrin associated periodic syndrome. Last evaluated: 2022-08-09. Review status: criteria provided, single submitter. Criteria: Invitae Variant Classification Sherloc (09022015). Collection method: clinical testing. Allele origin: germline.
Comment: This sequence change replaces glycine, which is neutral and non-polar, with valine, which is neutral and non-polar, at codon 309 of the NLRP3 protein (p.Gly309Val). For these reasons, this variant has been classified as Pathogenic. This variant disrupts the p.Gly309 amino acid residue in NLRP3. Other variant(s) that disrupt this residue have been observed in individuals with NLRP3-related conditions (PMID: 18063752, 21702021, 27191192), which suggests that this may be a clinically significant amino acid residue. Experimental studies have shown that this missense change affects NLRP3 function (PMID: 27692610). Advanced modeling of protein sequence and biophysical properties (such as structural, functional, and spatial information, amino acid conservation, physicochemical variation, residue mobility, and thermodynamic stability) performed at Invitae indicates that this missense variant is expected to disrupt NLRP3 protein function. ClinVar contains an entry for this variant (Variation ID: 97985). This variant is also known as CIAS1 p.G307V. This missense change has been observed in individuals with severe chronic infantile neurologic, cutaneous, articular (CINCA) syndrome (PMID: 16802372, 21702021). This variant is not present in population databases (gnomAD no frequency).

Unité médicale des maladies autoinflammatoires, CHRU Montpellier
No classification provided. Condition: Familial cold urticaria. Review status: no classification provided. Collection method: not provided. Allele origin: unknown. Not counted in ClinVar's aggregate classification.
Comment: also involved in OMIM 191900 and 607115

Literature cited by the submitters: PubMed 18063752 (cited by Labcorp Genetics (formerly Invitae), Labcorp); PubMed 21702021 (cited by Labcorp Genetics (formerly Invitae), Labcorp); PubMed 27191192 (cited by Labcorp Genetics (formerly Invitae), Labcorp); PubMed 27692610 (cited by Labcorp Genetics (formerly Invitae), Labcorp); PubMed 16802372 (cited by Labcorp Genetics (formerly Invitae), Labcorp).